The following is an entry in ClinVar:

NM_000238.4(KCNH2):c.-15G>C

Gene: KCNH2 (potassium voltage-gated channel subfamily H member 2; minus strand). Cytogenetic location: 7q36.1.
Variant type: single nucleotide variant.
Coding change: c.-15G>C on transcript NM_000238.4 (MANE Select); 15 bases upstream of the start codon, G replaced by C.
Molecular consequence: 5 prime UTR variant. On other transcripts: non-coding transcript variant (1).
Genome position (GRCh38, 1-based): chr7:150,977,928, C>G on the plus strand (G>C on the coding strand, the complement: KCNH2 is on the minus strand). VCF-style: chr7-150977928-C-G. GRCh37 (hg19) VCF-style: chr7-150675016-C-G.
Other names: c.-15G>C (NM_172056.3).
Identifiers: ClinVar variation 3070355 (VCV003070355.1), dbSNP rs2486167641, ClinGen allele CA2685607720.

ClinVar aggregate classification (germline): Uncertain significance (1 of 4 stars; one submission).

Conditions:
Long QT syndrome (LQTS). Identifiers: MedGen C0023976, MeSH D008133, MONDO:0002442. Disease mechanism: loss of function. Inheritance: Various modes of inheritance.

Allele frequency attached by ClinVar (database versions not stated): gnomAD exomes below 0.00001.

Submission:

All of Us Research Program, National Institutes of Health
Classification: Uncertain significance for Long QT syndrome. Last evaluated: 2023-04-10. Review status: criteria provided, single submitter. Criteria: ACMG Guidelines, 2015. Collection method: clinical testing. Allele origin: germline. Inheritance: Autosomal dominant inheritance. Observed: 1 variant allele, 1 heterozygote.
Comment: This variant causes a single nucleotide substitution in the 5' untranslated region of the KCNH2 gene. To our knowledge, functional studies have not been reported for this variant. This variant has not been reported in individuals affected with KCNH2-related disorders in the literature. This variant has not been identified in the general population by the Genome Aggregation Database (gnomAD). The available evidence is insufficient to determine the role of this variant in disease conclusively. Therefore, this variant is classified as a Variant of Uncertain Significance.

This study involves interpretation of variants in research participants for the purpose of population health screening. Participant phenotype was not available at the time of variant classification. Additional details can be found in publication PMID: 35346344, PMCID: PMC8962531